The following is an entry in ClinVar:

ClinVar aggregate classification (germline): Uncertain significance (1 of 4 stars; one submission).

Conditions:
Hereditary cancer-predisposing syndrome. Also called: Neoplastic Syndromes, Hereditary; Tumor predisposition; Hereditary neoplastic syndrome; Hereditary Cancer Syndrome. Identifiers: Orphanet 140162, MedGen C0027672, MeSH D009386, MONDO:0015356.

gnomAD v4.1: 5 of 1,595,888 alleles (0.00031%); highest among the groups gnomAD compares: Non-Finnish European, 0.00043%; no homozygotes.

Submission:

Ambry Genetics
Classification: Uncertain significance for Hereditary cancer-predisposing syndrome. Last evaluated: 2024-05-04. Review status: criteria provided, single submitter. Criteria: Ambry Variant Classification Scheme 2023. Collection method: clinical testing. Allele origin: germline.
Comment: The p.E50D variant (also known as c.150A>C), located in coding exon 3 of the XRCC2 gene, results from an A to C substitution at nucleotide position 150. The glutamic acid at codon 50 is replaced by aspartic acid, an amino acid with highly similar properties. This amino acid position is conserved. In addition, this alteration is predicted to be tolerated by in silico analysis. Based on the available evidence, the clinical significance of this variant remains unclear.

NM_005431.2(XRCC2):c.150A>C (p.Glu50Asp)

Gene: XRCC2 (X-ray repair cross complementing 2; minus strand). Cytogenetic location: 7q36.1.
Variant type: single nucleotide variant.
Coding change: c.150A>C on transcript NM_005431.2 (MANE Select); coding-DNA position 150, A replaced by C.
Protein change: p.Glu50Asp; replaces glutamic acid 50 with aspartic acid.
Molecular consequence: missense variant.
Genome position (GRCh38, 1-based): chr7:152,649,335, T>G on the plus strand (A>C on the coding strand, the complement: XRCC2 is on the minus strand). VCF-style: chr7-152649335-T-G. GRCh37 (hg19) VCF-style: chr7-152346420-T-G.
Other names: short protein forms E50D.
Identifiers: ClinVar variation 3333523 (VCV003333523.1).